The following is an entry in ClinVar:

NM_004385.5(VCAN):c.333C>T (p.Gly111=)

Gene: VCAN (versican; plus strand). Cytogenetic location: 5q14.2.
Variant type: single nucleotide variant.
Coding change: c.333C>T on transcript NM_004385.5 (MANE Select); coding-DNA position 333, C replaced by T.
Protein change: p.Gly111=; no amino-acid change (glycine 111 retained).
Molecular consequence: synonymous variant.
Genome position (GRCh38, 1-based): chr5:83,490,360, C>T. VCF-style: chr5-83490360-C-T. GRCh37 (hg19) VCF-style: chr5-82786179-C-T.
Other names: c.333C>T, p.Gly111= (NM_001126336.3, NM_001164097.2, NM_001164098.2).
Identifiers: ClinVar variation 953530 (VCV000953530.9), dbSNP rs756522750, ClinGen allele CA3332425.
Genomic context (GRCh38, chr5:83,490,360, plus strand): 5'-CAAGATTGGTCAGGACTACAAAGGGAGAGTGTCTGTGCCCACACATCCCGAGGCTGTGGG[C>T]GATGCCTCCCTCACTGTGGTCAAGCTGCTGGCAAGTGATGCGGGTCTTTACCGCTGTGAC-3'
Protein context (NP_004376.2, residues 101-121): VSVPTHPEAV[Gly111=]DASLTVVKLL

ClinVar aggregate classification (germline): Likely benign. Review status: criteria provided, multiple submitters, no conflicts (2 of 4 stars). 3 submissions from 3 submitters: Likely benign (3). Last evaluated 2026-08-26.

Conditions:
VCAN-related disorder. Also called: VCAN-related condition.

Allele frequency attached by ClinVar (database versions not stated): gnomAD 0.00002; TOPMed 0.00005.
gnomAD v4.1: 68 of 1,614,042 alleles (0.0042%); highest among the groups gnomAD compares: East Asian, 0.022%; no homozygotes.

Submissions (3):

PreventionGenetics, part of Exact Sciences
Classification: Likely benign for VCAN-related condition. Last evaluated: 2026-08-26. Review status: criteria provided, single submitter. Criteria: ACMG Guidelines, 2015. Collection method: clinical testing. Allele origin: germline.
Comment: This variant is classified as likely benign based on ACMG/AMP sequence variant interpretation guidelines (Richards et al. 2015 PMID: 25741868, with internal and published modifications).

Labcorp Genetics (formerly Invitae), Labcorp
Classification: Likely benign. Last evaluated: 2024-10-15. Review status: criteria provided, single submitter. Criteria: Invitae Variant Classification Sherloc (09022015). Collection method: clinical testing. Allele origin: germline.

Blueprint Genetics
Classification: Likely benign. Last evaluated: 2022-11-03. Review status: criteria provided, single submitter. Criteria: ACMG Guidelines, 2015. Collection method: clinical testing. Allele origin: germline.